The following is an entry in ClinVar:

NM_001399.5(EDA):c.769G>C (p.Gly257Arg)

Gene: EDA (ectodysplasin A; plus strand). Cytogenetic location: Xq13.1.
Variant type: single nucleotide variant.
Coding change: c.769G>C on transcript NM_001399.5 (MANE Select); coding-DNA position 769, G replaced by C.
Protein change: p.Gly257Arg; replaces glycine 257 with arginine.
Molecular consequence: missense variant.
Genome position (GRCh38, 1-based): chrX:70,030,496, G>C. VCF-style: chrX-70030496-G-C. GRCh37 (hg19) VCF-style: chrX-69250346-G-C.
Other names: c.769G>C, p.Gly257Arg (NM_001005609.2, NM_001005612.3); short protein forms G257R.
Identifiers: ClinVar variation 372608 (VCV000372608.5), dbSNP rs1057517882, ClinGen allele CA16043329.

ClinVar aggregate classification (germline): Conflicting classifications of pathogenicity. Review status: criteria provided, conflicting classifications (1 of 4 stars). 2 submissions from 2 submitters: Likely pathogenic (1); Uncertain significance (1). Last evaluated 2024-02-19.

Conditions:
Hypohidrotic X-linked ectodermal dysplasia (XHED). Also called: ECTODERMAL DYSPLASIA, HYPOHIDROTIC, 1; CST SYNDROME; Ectodermal Dysplasia 1, Anhidrotic; Anhidrotic ectodermal dysplasia X-linked; Christ Siemens Touraine syndrome; ECTODERMAL DYSPLASIA 1, HYPOHIDROTIC, X-LINKED. Identifiers: Orphanet 181, Orphanet 238468, MedGen C0162359, MONDO:0010585, OMIM 305100.

Submissions (2):

Labcorp Genetics (formerly Invitae), Labcorp
Classification: Uncertain significance for Hypohidrotic X-linked ectodermal dysplasia. Last evaluated: 2024-02-19. Review status: criteria provided, single submitter. Criteria: Invitae Variant Classification Sherloc (09022015). Collection method: clinical testing. Allele origin: germline.
Comment: This sequence change replaces glycine, which is neutral and non-polar, with arginine, which is basic and polar, at codon 257 of the EDA protein (p.Gly257Arg). This variant is not present in population databases (gnomAD no frequency). This missense change has been observed in individuals with EDA-related conditions (PMID: 24312213; Invitae). ClinVar contains an entry for this variant (Variation ID: 372608). Advanced modeling of protein sequence and biophysical properties (such as structural, functional, and spatial information, amino acid conservation, physicochemical variation, residue mobility, and thermodynamic stability) performed at Invitae indicates that this missense variant is expected to disrupt EDA protein function with a positive predictive value of 80%. In summary, the available evidence is currently insufficient to determine the role of this variant in disease. Therefore, it has been classified as a Variant of Uncertain Significance.

GeneDx
Classification: Likely pathogenic. Last evaluated: 2019-05-22. Review status: criteria provided, single submitter. Criteria: GeneDx Variant Classification Process June 2021. Collection method: clinical testing. Allele origin: germline. Affected: yes.
Comment: Not observed in large population cohorts (Lek et al., 2016); The majority of missense variants in this gene are considered pathogenic (Stenson et al., 2014); In silico analysis, which includes protein predictors and evolutionary conservation, supports that this variant does not alter protein structure/function; This variant is associated with the following publications: (PMID: 27538153, 11279189, 24312213)

Literature cited by the submitters: PubMed 24312213 (cited by Labcorp Genetics (formerly Invitae), Labcorp).